The following is an entry in ClinVar:

ClinVar aggregate classification (germline): Uncertain significance (1 of 4 stars; one submission).

gnomAD v4.1: 9 of 1,613,286 alleles (0.00056%); highest among the groups gnomAD compares: South Asian, 0.0099%; 1 homozygote.

Submission:

Labcorp Genetics (formerly Invitae), Labcorp
Classification: Uncertain significance. Last evaluated: 2024-12-22. Review status: criteria provided, single submitter. Criteria: Invitae Variant Classification Sherloc (09022015). Collection method: clinical testing. Allele origin: germline.
Comment: This sequence change replaces glutamic acid, which is acidic and polar, with glycine, which is neutral and non-polar, at codon 443 of the RAI1 protein (p.Glu443Gly). This variant is present in population databases (rs753509116, gnomAD 0.02%), including at least one homozygous and/or hemizygous individual. This variant has not been reported in the literature in individuals affected with RAI1-related conditions. Invitae Evidence Modeling of protein sequence and biophysical properties (such as structural, functional, and spatial information, amino acid conservation, physicochemical variation, residue mobility, and thermodynamic stability) indicates that this missense variant is expected to disrupt RAI1 protein function with a positive predictive value of 80%. In summary, the available evidence is currently insufficient to determine the role of this variant in disease. Therefore, it has been classified as a Variant of Uncertain Significance.

NM_030665.4(RAI1):c.1328A>G (p.Glu443Gly)

Gene: RAI1 (retinoic acid induced 1; plus strand). Cytogenetic location: 17p11.2.
Variant type: single nucleotide variant.
Coding change: c.1328A>G on transcript NM_030665.4 (MANE Select); coding-DNA position 1328, A replaced by G.
Protein change: p.Glu443Gly; replaces glutamic acid 443 with glycine.
Molecular consequence: missense variant.
Genome position (GRCh38, 1-based): chr17:17,794,276, A>G. VCF-style: chr17-17794276-A-G. GRCh37 (hg19) VCF-style: chr17-17697590-A-G.
Other names: short protein forms E443G.
Identifiers: ClinVar variation 3697441 (VCV003697441.2).
Genomic context (GRCh38, chr17:17,794,276, plus strand): 5'-CTGAGAACCTGCTGTCGGATCTCAGCCTGCAGAGCCTCACGGCGCTGACCTCACAGGTGG[A>G]GAACATCTCCAACACCGTCCAGCAGCTGCTGCTCTCCAAGGCTGCTGTGCCGCAGAAGAA-3'
Protein context (NP_109590.3, residues 433-453): QSLTALTSQV[Glu443Gly]NISNTVQQLL